The following is an entry in ClinVar:

ClinVar aggregate classification (germline): Uncertain significance. Review status: criteria provided, multiple submitters, no conflicts (2 of 4 stars). 4 submissions from 4 submitters: Uncertain significance (4). Last evaluated 2024-08-06.

Conditions:
Spermatogenic failure 18. Identifiers: MedGen C4539783, MONDO:0054615, OMIM 617576.
Ciliary dyskinesia, primary, 37 (CILD37). Also called: CILIARY DYSKINESIA, PRIMARY, 37, WITH OR WITHOUT SITUS INVERSUS. Identifiers: MedGen C4539798, MONDO:0033204, OMIM 617577.

Allele frequency attached by ClinVar (database versions not stated): TOPMed 0.00002; ESP Exome Variant Server 0.00008.

Submissions (4):

Blueprint Genetics
Classification: Uncertain significance. Last evaluated: 2024-08-06. Review status: criteria provided, single submitter. Criteria: ACMG Guidelines, 2015. Collection method: clinical testing. Allele origin: germline.

Labcorp Genetics (formerly Invitae), Labcorp
Classification: Uncertain significance for Ciliary dyskinesia, primary, 37; Spermatogenic failure 18. Last evaluated: 2022-11-08. Review status: criteria provided, single submitter. Criteria: Invitae Variant Classification Sherloc (09022015). Collection method: clinical testing. Allele origin: germline.
Comment: This sequence change replaces arginine, which is basic and polar, with tryptophan, which is neutral and slightly polar, at codon 1085 of the DNAH1 protein (p.Arg1085Trp). This variant is present in population databases (rs199955529, gnomAD 0.02%). This variant has not been reported in the literature in individuals affected with DNAH1-related conditions. ClinVar contains an entry for this variant (Variation ID: 939391). Advanced modeling of protein sequence and biophysical properties (such as structural, functional, and spatial information, amino acid conservation, physicochemical variation, residue mobility, and thermodynamic stability) performed at Invitae indicates that this missense variant is not expected to disrupt DNAH1 protein function. In summary, the available evidence is currently insufficient to determine the role of this variant in disease. Therefore, it has been classified as a Variant of Uncertain Significance.

Fulgent Genetics
Classification: Uncertain significance for Spermatogenic failure 18; Ciliary dyskinesia, primary, 37. Last evaluated: 2022-04-11. Review status: criteria provided, single submitter. Criteria: ACMG Guidelines, 2015. Collection method: clinical testing. Allele origin: unknown.

Breakthrough Genomics
Classification: Uncertain significance. Review status: criteria provided, single submitter. Criteria: ACMG Guidelines, 2015. Collection method: not provided. Allele origin: germline. Inheritance: Autosomal recessive inheritance. Affected: yes.

NM_015512.5(DNAH1):c.3253C>T (p.Arg1085Trp)

Gene: DNAH1 (dynein axonemal heavy chain 1; plus strand). Cytogenetic location: 3p21.1.
Variant type: single nucleotide variant.
Coding change: c.3253C>T on transcript NM_015512.5 (MANE Select); coding-DNA position 3253, C replaced by T.
Protein change: p.Arg1085Trp; replaces arginine 1085 with tryptophan.
Molecular consequence: missense variant.
Genome position (GRCh38, 1-based): chr3:52,353,406, C>T. VCF-style: chr3-52353406-C-T. GRCh37 (hg19) VCF-style: chr3-52387422-C-T.
Other names: short protein forms R1085W.
Identifiers: ClinVar variation 939391 (VCV000939391.9), dbSNP rs199955529, ClinGen allele CA2433532.